The following is an entry in ClinVar:

ClinVar aggregate classification (germline): Likely benign. Review status: reviewed by expert panel (3 of 4 stars). 2 submissions from 2 submitters: Likely benign (1). 1 of the submissions does not count toward it. Last evaluated 2026-08-18.

Conditions:
Alexander disease (ALXDRD). Also called: Alexander's disease. Identifiers: Orphanet 58, MedGen C0270726, MONDO:0008752, OMIM 203450.

Allele frequency attached by ClinVar (database versions not stated): gnomAD 0.00001; TOPMed 0.00001; gnomAD exomes 0.00009.
gnomAD v4.1: 120 of 1,580,354 alleles (0.0076%); highest among the groups gnomAD compares: Non-Finnish European, 0.01%; no homozygotes.

Submissions (2):

ClinGen Leukodystrophy and Leukoencephalopathy Variant Curation Expert Panel, ClinGen
Classification: Likely benign for Alexander disease. Last evaluated: 2026-08-18. Review status: reviewed by expert panel. Criteria: ClinGen Leuko ACMG Specifications GFAP V1.0. Collection method: curation. Allele origin: germline. Inheritance: Autosomal dominant inheritance.
Comment: The c.1167T>C (NM_002055.5(GFAP)) variant in GFAP is a synonymous (silent) variant (p.Ile389=). The GrpMax filtering allele frequency in gnomAD v4.1.1 is 0.00008633 from the Non-Finnish European genetic ancestry group (the lower threshold of the 95% CI of 118/1162802 alleles), which is higher than the ClinGen Leukodystrophy and Leukoencephalopathy Expert Panel Specifications to the ACMG/AMP Variant Interpretation Guidelines for GFAP Version 1.0.0 threshold ≥ 0.001% for BS1, and therefore meets this criterion (BS1). In summary, this variant meets the criteria to be classified as likely benign based on the ACMG/AMP criteria applied, as specified by the ClinGen Leukodystrophy and Leukoencephalopathy VCEP: BS1 (ClinGen Leukodystrophy and Leukoencephalopathy VCEP Specifications Version 1.0.0).

Labcorp Genetics (formerly Invitae), Labcorp
Classification: Likely benign. Last evaluated: 2022-07-25. Review status: criteria provided, single submitter. Criteria: Invitae Variant Classification Sherloc (09022015). Collection method: clinical testing. Allele origin: germline. Not counted in ClinVar's aggregate classification.

NM_002055.5(GFAP):c.1167T>C (p.Ile389=)

Gene: GFAP (glial fibrillary acidic protein; minus strand). Cytogenetic location: 17q21.31.
Variant type: single nucleotide variant.
Coding change: c.1167T>C on transcript NM_002055.5 (MANE Select); coding-DNA position 1167, T replaced by C.
Protein change: p.Ile389=; no amino-acid change (isoleucine 389 retained).
Molecular consequence: synonymous variant.
Genome position (GRCh38, 1-based): chr17:44,910,619, A>G on the plus strand (T>C on the coding strand, the complement: GFAP is on the minus strand). VCF-style: chr17-44910619-A-G. GRCh37 (hg19) VCF-style: chr17-42987987-A-G.
Other names: NM_002055.5(GFAP):c.1167T>C; p.Ile389=; c.1167T>C, p.Ile389= (NM_001131019.3, NM_001242376.3, NM_001363846.2).
Identifiers: ClinVar variation 1912276 (VCV001912276.6), dbSNP rs942118732, ClinGen allele CA291027724.